The following is an entry in ClinVar:

NM_000202.8(IDS):c.1402C>G (p.Arg468Gly)

Gene: IDS (iduronate 2-sulfatase; minus strand). Cytogenetic location: Xq28.
Variant type: single nucleotide variant.
Coding change: c.1402C>G on transcript NM_000202.8 (MANE Select); coding-DNA position 1402, C replaced by G.
Protein change: p.Arg468Gly; replaces arginine 468 with glycine.
Molecular consequence: missense variant.
Genome position (GRCh38, 1-based): chrX:149,482,997, G>C on the plus strand (C>G on the coding strand, the complement: IDS is on the minus strand). VCF-style: chrX-149482997-G-C. GRCh37 (hg19) VCF-style: chrX-148564528-G-C.
Other names: c.1132C>G, p.Arg378Gly (NM_001166550.4); short protein forms R378G, R468G.
Identifiers: ClinVar variation 3256045 (VCV003256045.2).

ClinVar aggregate classification (germline): Pathogenic (1 of 4 stars; one submission).

Conditions:
Mucopolysaccharidosis, MPS-II (MPS2). Also called: Hunter Syndrome; IDURONATE 2-SULFATASE DEFICIENCY; Mucopolysaccharidosis Type II; Mucopolysaccharidosis type 2; Attenuated MPS (subtype; formerly known as mild MPS II); Severe MPS II. Identifiers: Orphanet 580, Orphanet 79388, MedGen C0026705, MONDO:0010674, OMIM 309900.

Submission:

Laboratory of Diagnosis and Therapy of Lysosomal Disorders, University of Padova
Classification: Pathogenic for Mucopolysaccharidosis, MPS-II. Last evaluated: 2024-06-07. Review status: criteria provided, single submitter. Criteria: ACMG Guidelines, 2015. Collection method: literature only. Allele origin: germline. Affected: yes. Observed: 2 variant alleles.
Comment: Absent from controls (or at low frequency) in gnomAD database (PM2_Moderate), Missense change at the same amino acid residue as a pathogenic variant (PM5_Moderate), Missense variant in a gene with a low rate of benign missense variation (PP2_Supporting), Multiple lines of computational evidence support a deleterious effect (PP3_Supporting), Patient’s phenotype or family history highly specific for the disease (PP4_Strong)

Classification method: ACMG Guidelines [PMID:25741868] with modifications

Literature cited by the submitters: PubMed 24780617; PubMed 8111411.